The following is an entry in ClinVar:

NM_000152.5(GAA):c.324T>C (p.Cys108=)

Gene: GAA (alpha glucosidase; plus strand). Cytogenetic location: 17q25.3.
Variant type: single nucleotide variant.
Coding change: c.324T>C on transcript NM_000152.5 (MANE Select); coding-DNA position 324, T replaced by C.
Protein change: p.Cys108=; no amino-acid change (cysteine 108 retained).
Molecular consequence: synonymous variant.
Genome position (GRCh38, 1-based): chr17:80,104,910, T>C. VCF-style: chr17-80104910-T-C. GRCh37 (hg19) VCF-style: chr17-78078709-T-C.
Other names: c.324T>C, p.Cys108= (NM_001079803.3, NM_001079804.3).
Identifiers: ClinVar variation 92484 (VCV000092484.39), dbSNP rs1800300, ClinGen allele CA145781.
Genomic context (GRCh38, chr17:80,104,910, plus strand): 5'-CCGCTTCGATTGCGCCCCTGACAAGGCCATCACCCAGGAACAGTGCGAGGCCCGCGGCTG[T>C]TGCTACATCCCTGCAAAGCAGGGGCTGCAGGGAGCCCAGATGGGGCAGCCCTGGTGCTTC-3'
Protein context (NP_000143.2, residues 98-118): ITQEQCEARG[Cys108=]CYIPAKQGLQ

ClinVar aggregate classification (germline): Benign. Review status: reviewed by expert panel (3 of 4 stars). 19 submissions from 19 submitters: Benign (1). 18 of the submissions do not count toward it. Last evaluated 2020-01-21.

Conditions:
Glycogen storage disease, type II (IOPD). Also called: POMPE DISEASE, INFANTILE-ONSET; GLYCOGEN STORAGE DISEASE II, INFANTILE-ONSET; ACID ALPHA-GLUCOSIDASE DEFICIENCY, INFANTILE-ONSET; GAA DEFICIENCY, INFANTILE-ONSET; ACID MALTASE DEFICIENCY, INFANTILE-ONSET; Glucosidase acid-1,4-alpha deficiency. Identifiers: Orphanet 365, MedGen C0017921, MONDO:0009290, OMIM 232300.
Cardiovascular phenotype. Identifiers: MedGen CN230736.

Allele frequency attached by ClinVar (database versions not stated): TOPMed 0.70361; 1000 Genomes Project 30x 0.71377; 1000 Genomes Project 0.71446; gnomAD 0.71989 and 0.72226; gnomAD exomes 0.72276 and 0.74250; ESP Exome Variant Server 0.73158; ExAC 0.73668.
gnomAD v4.1: 1,193,991 of 1,611,816 alleles (74%); highest among the groups gnomAD compares: Middle Eastern, 82%; 444,341 homozygotes.

Submissions (19):

ClinGen Lysosomal Storage Disorder Variant Curation Expert Panel
Classification: Benign for Glycogen storage disease, type II. Last evaluated: 2020-01-21. Review status: reviewed by expert panel. Criteria: ClinGen LSD ACMG Specifications v1. Collection method: curation. Allele origin: germline. Inheritance: Autosomal recessive inheritance.
Comment: The highest continental population minor allele frequency for c.324T>C (p.Cys108=) in gnomAD v2.1.1 is 0.81776 in the South Asian population. This is higher than the ClinGen LSD VCEP's BA1 threshold (>0.01), meeting this criterion. There is a ClinVar entry for this variant (Variation ID: 92484, two star review status), with 10 submitters classifying the variant as benign. In summary, this variant meets the criteria to be classified as benign for Pompe disease. GAA-specific ACMG/AMP criteria applied, as specified by the ClinGen LSD VCEP: BA1.

Labcorp Genetics (formerly Invitae), Labcorp
Classification: Benign for Glycogen storage disease, type II. Last evaluated: 2026-02-04. Review status: criteria provided, single submitter. Criteria: Invitae Variant Classification Sherloc (09022015). Collection method: clinical testing. Allele origin: germline. Not counted in ClinVar's aggregate classification.

Blueprint Genetics
Classification: Benign. Last evaluated: 2024-11-28. Review status: criteria provided, single submitter. Criteria: ACMG Guidelines, 2015. Collection method: clinical testing. Allele origin: germline. Not counted in ClinVar's aggregate classification.

Genome-Nilou Lab
Classification: Benign for Glycogen storage disease, type II. Last evaluated: 2021-06-10. Review status: criteria provided, single submitter. Criteria: ACMG Guidelines, 2015. Collection method: clinical testing. Allele origin: germline. Affected: no. Not counted in ClinVar's aggregate classification.

Eurofins Ntd Llc (ga)
Classification: Benign. Last evaluated: 2018-09-04. Review status: criteria provided, single submitter. Criteria: EGL ClinVar v180209 classification definitions. Collection method: clinical testing. Allele origin: germline. Observed: 135 variant alleles, 66 heterozygotes, 69 homozygotes. Not counted in ClinVar's aggregate classification.

Phosphorus, Inc.
Classification: Benign for Glycogen storage disease, type II. Last evaluated: 2017-08-01. Review status: criteria provided, single submitter. Criteria: ACMG Guidelines, 2015. Collection method: clinical testing. Allele origin: germline. Observed: 21 variant alleles. Not counted in ClinVar's aggregate classification.

Laboratory for Molecular Medicine, Mass General Brigham Personalized Medicine
Classification: Benign. Last evaluated: 2017-05-08. Review status: criteria provided, single submitter. Criteria: LMM Criteria. Collection method: clinical testing. Allele origin: germline. Observed: 1 variant allele. Not counted in ClinVar's aggregate classification.
Comment: p.Cys108Cys in exon 3 of GAA: This variant is not expected to have clinical sign ificance because it does not alter an amino acid residue and is not located with in the splice consensus sequence. It has been identified in 82% (13463/16390) of South Asian chromosomes by the Exome Aggregation Consortium (ExAC.; dbSNP rs1800300).

Women's Health and Genetics/Laboratory Corporation of America, LabCorp
Classification: Benign. Last evaluated: 2017-05-03. Review status: criteria provided, single submitter. Criteria: LabCorp Variant Classification Summary - May 2015. Collection method: clinical testing. Allele origin: germline. Not counted in ClinVar's aggregate classification.
Comment: Variant summary: The GAA c.324T>C (p.Cys108Cys) variant involves the alteration of a non-conserved nucleotide causing a synonymous change and 5/5 splice prediction tools predict no significant impact on normal splicing. ESE finder predicts that this variant may affect multiple ESE sites. However, these predictions have yet to be confirmed by functional studies. This variant was found in 86202/117014 control chromosomes (32095 homozygotes) at a frequency of 0.7366811, indicating the C allele is the major allele. This frequency is approximately 175 times the estimated maximal expected allele frequency of a pathogenic GAA variant (0.0042205), suggesting this variant is likely a benign polymorphism. In addition, multiple clinical diagnostic laboratories/reputable databases classified this variant as benign. Taken together, this variant has been classified as benign.

Ambry Genetics
Classification: Benign for Cardiovascular phenotype. Last evaluated: 2015-12-28. Review status: criteria provided, single submitter. Criteria: Ambry Variant Classification Scheme 2023. Collection method: clinical testing. Allele origin: germline. Not counted in ClinVar's aggregate classification.

GeneDx
Classification: Benign. Last evaluated: 2015-03-03. Review status: criteria provided, single submitter. Criteria: GeneDx Variant Classification Process June 2021. Collection method: clinical testing. Allele origin: germline. Affected: yes. Not counted in ClinVar's aggregate classification.

Genetic Services Laboratory, University of Chicago
Classification: Benign for AllHighlyPenetrant. Last evaluated: 2013-08-15. Review status: criteria provided, single submitter. Criteria: ACMG Guidelines, 2007. Collection method: clinical testing. Allele origin: germline. Inheritance: Autosomal recessive inheritance. Not counted in ClinVar's aggregate classification.

Breakthrough Genomics
Classification: Benign. Review status: criteria provided, single submitter. Criteria: ACMG Guidelines, 2015. Collection method: not provided. Allele origin: germline. Inheritance: Autosomal recessive inheritance. Affected: yes. Not counted in ClinVar's aggregate classification.

PreventionGenetics, part of Exact Sciences
Classification: Benign. Review status: criteria provided, single submitter. Criteria: ACMG Guidelines, 2015. Collection method: clinical testing. Allele origin: germline. Not counted in ClinVar's aggregate classification.

Natera, Inc.
Classification: Benign for Glycogen storage disease type II. Last evaluated: 2020-09-16. Review status: no assertion criteria provided. Collection method: clinical testing. Allele origin: germline. Not counted in ClinVar's aggregate classification.

Mayo Clinic Laboratories, Mayo Clinic
Classification: Benign. Last evaluated: 2015-10-19. Review status: no assertion criteria provided. Collection method: clinical testing. Allele origin: unknown. Not counted in ClinVar's aggregate classification.

Department of Pathology and Laboratory Medicine, Sinai Health System
Classification: Uncertain significance. Review status: no assertion criteria provided. Collection method: clinical testing. Allele origin: unknown. Affected: yes. Study: The Canadian Open Genetics Repository (COGR). Not counted in ClinVar's aggregate classification.
Comment: multiple AR variants in same gene - keep for nowAllele frequency is common in at least one population database (frequency: 82.142% in ExAC) based on the frequency threshold of 2.76% for this gene.Variant was observed in a homozygous state in population databases more than expected for disease.10 reputable source/s reports the variant as benign, but the evidence is not available to the laboratory to perform an independent evaluation.A synonymous variant not located in a splice region.

Diagnostic Laboratory, Department of Genetics, University Medical Center Groningen
Classification: Benign for Glycogen storage disease, type II. Review status: no assertion criteria provided. Collection method: clinical testing. Allele origin: germline. Affected: yes. Study: VKGL Data-share Consensus. Not counted in ClinVar's aggregate classification.

Genome Diagnostics Laboratory, University Medical Center Utrecht
Classification: Benign. Review status: no assertion criteria provided. Collection method: clinical testing. Allele origin: germline. Affected: yes. Study: VKGL Data-share Consensus. Not counted in ClinVar's aggregate classification.

Joint Genome Diagnostic Labs from Nijmegen and Maastricht, Radboudumc and MUMC+
Classification: Benign. Review status: no assertion criteria provided. Collection method: clinical testing. Allele origin: germline. Affected: yes. Study: VKGL Data-share Consensus. Not counted in ClinVar's aggregate classification.

Literature cited by the submitters: PubMed 18414213 (cited by Phosphorus, Inc.); PubMed 23757202 (cited by Phosphorus, Inc.).